The following is an entry in ClinVar:

NM_014236.4(GNPAT):c.1938-5C>G

Gene: GNPAT (glyceronephosphate O-acyltransferase; plus strand). Cytogenetic location: 1q42.2.
Variant type: single nucleotide variant.
Coding change: c.1938-5C>G on transcript NM_014236.4 (MANE Select); 5 bases into the intron before coding-DNA position 1938, C replaced by G.
Molecular consequence: intron variant.
Genome position (GRCh38, 1-based): chr1:231,276,130, C>G. VCF-style: chr1-231276130-C-G. GRCh37 (hg19) VCF-style: chr1-231411876-C-G.
Other names: c.1755-5C>G (NM_001316350.2).
Identifiers: ClinVar variation 653002 (VCV000653002.4), dbSNP rs1571960947, ClinGen allele CA915942041.

ClinVar aggregate classification (germline): Uncertain significance (1 of 4 stars; one submission).

Submission:

Labcorp Genetics (formerly Invitae), Labcorp
Classification: Uncertain significance. Last evaluated: 2018-11-05. Review status: criteria provided, single submitter. Criteria: Invitae Variant Classification Sherloc (09022015). Collection method: clinical testing. Allele origin: germline.
Comment: This sequence change falls in intron 14 of the GNPAT gene. It does not directly change the encoded amino acid sequence of the GNPAT protein. This variant is not present in population databases (ExAC no frequency). This variant has not been reported in the literature in individuals with GNPAT-related disease. Algorithms developed to predict the effect of sequence changes on RNA splicing suggest that this variant may disrupt the consensus splice site, but this prediction has not been confirmed by published transcriptional studies. In summary, the available evidence is currently insufficient to determine the role of this variant in disease. Therefore, it has been classified as a Variant of Uncertain Significance.